The following is an entry in ClinVar:

NM_000492.4(CFTR):c.3718-2530A>G

Genes: CFTR (CF transmembrane conductance regulator; plus strand), CFTR-AS2 (CFTR antisense RNA 2; minus strand), LOC113633877 (CFTR intron 19 DNase I hypersensitive site; plus strand). Cytogenetic location: 7q31.2.
Variant type: single nucleotide variant.
Coding change: c.3718-2530A>G on transcript NM_000492.4 (MANE Select); 2530 bases into the intron before coding-DNA position 3718, A replaced by G.
Molecular consequence: intron variant.
Genome position (GRCh38, 1-based): chr7:117,639,908, A>G. VCF-style: chr7-117639908-A-G. GRCh37 (hg19) VCF-style: chr7-117279962-A-G.
Identifiers: ClinVar variation 237856 (VCV000237856.20), dbSNP rs213990, ClinGen allele CA10582464.

ClinVar aggregate classification (germline): Benign/Likely benign. Review status: criteria provided, multiple submitters, no conflicts (2 of 4 stars). 7 submissions from 7 submitters: Benign (5); Likely benign (1). 1 of the submissions does not count toward it. Last evaluated 2026-06-01.

Conditions:
CFTR-related disorder (CFTR-RD). Also called: CFTR-related disorders; CFTR-related condition. Identifiers: MedGen C5924204, MONDO:7770004.
Hereditary pancreatitis (PCTT). Also called: Hereditary chronic pancreatitis; PRSS1-Related Hereditary Pancreatitis. Identifiers: Orphanet 676, MedGen C0238339, MONDO:0008185, OMIM 167800.
Cystic fibrosis (CF). Also called: MUCOVISCIDOSIS. Identifiers: Orphanet 586, MedGen C0010674, MONDO:0009061, OMIM 219700. Disease mechanism: loss of function.

Allele frequency attached by ClinVar (database versions not stated): TOPMed 0.00425; gnomAD 0.00445 and 0.00411; 1000 Genomes Project 30x 0.00484; 1000 Genomes Project 0.00419.
gnomAD v4.1: 622 of 152,302 alleles (0.41%); highest among the groups gnomAD compares: African/African-American, 1.4%; 1 homozygote.

Submissions (7):

CeGaT Center for Human Genetics Tuebingen
Classification: Likely benign. Last evaluated: 2026-06-01. Review status: criteria provided, single submitter. Criteria: CeGaT Center For Human Genetics Tuebingen Variant Classification Criteria Version 2. Collection method: clinical testing. Allele origin: germline. Affected: yes. Observed: 1 variant allele.
Comment: CFTR: BS1

ARUP Laboratories, Molecular Genetics and Genomics, ARUP Laboratories
Classification: Benign. Last evaluated: 2025-06-19. Review status: criteria provided, single submitter. Criteria: ARUP Molecular Germline Variant Investigation Process 2024. Collection method: clinical testing. Allele origin: germline.

Labcorp Genetics (formerly Invitae), Labcorp
Classification: Benign for Cystic fibrosis. Last evaluated: 2024-04-22. Review status: criteria provided, single submitter. Criteria: Invitae Variant Classification Sherloc (09022015). Collection method: clinical testing. Allele origin: germline.

Sema4
Classification: Benign for Hereditary pancreatitis. Last evaluated: 2020-11-05. Review status: criteria provided, single submitter. Criteria: Sema4 Curation Guidelines. Collection method: curation. Allele origin: germline.

Eurofins Ntd Llc (ga)
Classification: Benign. Last evaluated: 2016-10-26. Review status: criteria provided, single submitter. Criteria: EGL Classification Definitions 2015. Collection method: clinical testing. Allele origin: germline. Observed: 1 variant allele, 1 heterozygote.

Ambry Genetics
Classification: Benign for Cystic fibrosis. Last evaluated: 2014-12-16. Review status: criteria provided, single submitter. Criteria: Ambry Variant Classification Scheme 2023. Collection method: clinical testing. Allele origin: germline.

Natera, Inc.
Classification: Likely benign for CFTR-related disorders. Last evaluated: 2018-04-09. Review status: no assertion criteria provided. Collection method: clinical testing. Allele origin: germline. Not counted in ClinVar's aggregate classification.

Literature cited by the submitters: PubMed 19324992 (cited by Ambry Genetics).